The following is an entry in ClinVar:

ClinVar aggregate classification (germline): Conflicting classifications of pathogenicity. Review status: criteria provided, conflicting classifications (1 of 4 stars). 4 submissions from 4 submitters: Uncertain significance (2); Likely benign (1). 1 of the submissions does not count toward it. Last evaluated 2025-04-04.

Conditions:
EGFR-related disorder. Also called: EGFR-related condition.
EGFR-related lung cancer (EGFR). Identifiers: MedGen CN130014.
Hereditary cancer-predisposing syndrome. Also called: Tumor predisposition; Neoplastic Syndromes, Hereditary; Hereditary neoplastic syndrome; Hereditary Cancer Syndrome. Identifiers: Orphanet 140162, MedGen C0027672, MeSH D009386, MONDO:0015356.

Allele frequency attached by ClinVar (database versions not stated): gnomAD exomes 0.00002; TOPMed 0.00003; ExAC 0.00003; gnomAD 0.00001.
gnomAD v4.1: 24 of 1,613,944 alleles (0.0015%); highest among the groups gnomAD compares: African/African-American, 0.004%; no homozygotes.

Submissions (4):

Dasa
Classification: Uncertain significance. Last evaluated: 2025-04-04. Review status: criteria provided, single submitter. Criteria: DASA Assertion Criteria. Collection method: clinical testing. Allele origin: germline.
Comment: NM_005228.5(EGFR):c.494G>A (p.Arg165Gln) is a missense variant that results in the substitution of arginine with glutamine. This variant is rare in population databases. Computational prediction algorithms are consistent with a benign effect. The currently available literature and clinical evidence are not sufficient to establish a definitive association between this variant and the reported condition. Therefore, this variant is classified as a variant of uncertain significance.

Ambry Genetics
Classification: Likely benign for Hereditary cancer-predisposing syndrome. Last evaluated: 2025-03-28. Review status: criteria provided, single submitter. Criteria: Ambry Variant Classification Scheme 2023. Collection method: clinical testing. Allele origin: germline.

Labcorp Genetics (formerly Invitae), Labcorp
Classification: Uncertain significance for EGFR-related lung cancer. Last evaluated: 2024-11-05. Review status: criteria provided, single submitter. Criteria: Invitae Variant Classification Sherloc (09022015). Collection method: clinical testing. Allele origin: germline.
Comment: This sequence change replaces arginine, which is basic and polar, with glutamine, which is neutral and polar, at codon 165 of the EGFR protein (p.Arg165Gln). This variant is present in population databases (rs761795138, gnomAD 0.01%). This variant has not been reported in the literature in individuals affected with EGFR-related conditions. ClinVar contains an entry for this variant (Variation ID: 1000496). An algorithm developed to predict the effect of missense changes on protein structure and function outputs the following: PolyPhen-2: "Benign". The glutamine amino acid residue is found in multiple mammalian species, which suggests that this missense change does not adversely affect protein function. In summary, the available evidence is currently insufficient to determine the role of this variant in disease. Therefore, it has been classified as a Variant of Uncertain Significance.

PreventionGenetics, part of Exact Sciences
Classification: Uncertain significance for EGFR-related condition. Last evaluated: 2024-02-23. Review status: no assertion criteria provided. Collection method: clinical testing. Allele origin: germline. Not counted in ClinVar's aggregate classification.
Comment: The EGFR c.494G>A variant is predicted to result in the amino acid substitution p.Arg165Gln. To our knowledge, this variant has not been reported in the literature. This variant is reported in 0.012% of alleles in individuals of African descent in gnomAD. This variant is interpreted as uncertain in ClinVar. At this time, the clinical significance of this variant is uncertain due to the absence of conclusive functional and genetic evidence.

NM_005228.5(EGFR):c.494G>A (p.Arg165Gln)

Gene: EGFR (epidermal growth factor receptor; plus strand). Cytogenetic location: 7p11.2.
Variant type: single nucleotide variant.
Coding change: c.494G>A on transcript NM_005228.5 (MANE Select); coding-DNA position 494, G replaced by A.
Protein change: p.Arg165Gln; replaces arginine 165 with glutamine.
Molecular consequence: missense variant. On other transcripts: intron variant (3).
Genome position (GRCh38, 1-based): chr7:55,146,675, G>A. VCF-style: chr7-55146675-G-A. GRCh37 (hg19) VCF-style: chr7-55214368-G-A.
Other names: c.494G>A, p.Arg165Gln (NM_001346898.2, NM_201282.2, NM_201283.2 and 1 more transcripts); c.335G>A, p.Arg112Gln (NM_001346900.2); c.424+3187G>A (NM_001346899.2, NM_001346897.2); c.89-9155G>A (NM_001346941.2); c.494G>A (NM_005228.3, NM_005228.4); short protein forms R112Q, R165Q.
Identifiers: ClinVar variation 1000496 (VCV001000496.11), dbSNP rs761795138, ClinGen allele CA4265231.